The following is an entry in ClinVar:

NM_001042492.3(NF1):c.6006+5T>C

Gene: NF1 (neurofibromin 1; plus strand). Cytogenetic location: 17q11.2.
Variant type: single nucleotide variant.
Coding change: c.6006+5T>C on transcript NM_001042492.3 (MANE Select); 5 bases into the intron after coding-DNA position 6006, T replaced by C.
Molecular consequence: intron variant.
Genome position (GRCh38, 1-based): chr17:31,335,036, T>C. VCF-style: chr17-31335036-T-C. GRCh37 (hg19) VCF-style: chr17-29662054-T-C.
Other names: c.5943+5T>C (NM_000267.4).
Identifiers: ClinVar variation 2897780 (VCV002897780.3), dbSNP rs2151550809, ClinGen allele CA2733606882.

ClinVar aggregate classification (germline): Uncertain significance (1 of 4 stars; one submission).

Conditions:
Neurofibromatosis, type 1 (NF1). Also called: Neurofibromatosis, type I; VON RECKLINGHAUSEN DISEASE; Peripheral type neurofibromatosis; NEUROFIBROMATOSIS, TYPE I, SOMATIC. Identifiers: Orphanet 636, MedGen C0027831, MONDO:0018975, OMIM 162200. Disease mechanism: loss of function.

Submission:

Labcorp Genetics (formerly Invitae), Labcorp
Classification: Uncertain significance for Neurofibromatosis, type 1. Last evaluated: 2025-10-03. Review status: criteria provided, single submitter. Criteria: Invitae Variant Classification Sherloc (09022015). Collection method: clinical testing. Allele origin: germline.
Comment: This sequence change falls in intron 39 of the NF1 gene. It does not directly change the encoded amino acid sequence of the NF1 protein. It affects a nucleotide within the consensus splice site. This variant is not present in population databases (gnomAD no frequency). This variant has not been reported in the literature in individuals affected with NF1-related conditions. ClinVar contains an entry for this variant (Variation ID: 2897780). Variants that disrupt the consensus splice site are a relatively common cause of aberrant splicing (PMID: 17576681, 9536098). Algorithms developed to predict the effect of sequence changes on RNA splicing suggest that this variant is not likely to affect RNA splicing. In summary, the available evidence is currently insufficient to determine the role of this variant in disease. Therefore, it has been classified as a Variant of Uncertain Significance.

Literature cited by the submitters: PubMed 17576681; PubMed 9536098.